The following is an entry in ClinVar:

NM_080680.3(COL11A2):c.426_431dup (p.Ser143_Leu144dup)

Gene: COL11A2 (collagen type XI alpha 2 chain; minus strand). Cytogenetic location: 6p21.32.
Variant type: Duplication.
Coding change: c.426_431dup on transcript NM_080680.3 (MANE Select); coding-DNA positions 426 to 431, 6 bases duplicated (CAGCCT; older notation c.426_431dupCAGCCT).
Protein change: p.Ser143_Leu144dup.
Molecular consequence: inframe insertion.
Genome position (GRCh38, 1-based): chr6:33,188,990-33,188,995, AGGCTG duplicated on the plus strand (CAGCCT on the coding strand, the reverse complement: COL11A2 is on the minus strand); duplicating any 6 consecutive bases within chr6:33,188,990-33,188,999 gives the same sequence; the c. name uses the placement nearest the transcript's 3' end. VCF-style (leftmost placement, unchanged base first): chr6-33188989-T-TAGGCTG. GRCh37 (hg19) VCF-style: chr6-33156766-T-TAGGCTG.
Other names: c.426_431dup, p.Ser143_Leu144dup (NM_001163771.2, NM_080679.3, NM_080681.3).
Identifiers: ClinVar variation 1684080 (VCV001684080.7), dbSNP rs765753806, ClinGen allele CA3751675.

ClinVar aggregate classification (germline): Uncertain significance. Review status: criteria provided, multiple submitters, no conflicts (2 of 4 stars). 2 submissions from 2 submitters: Uncertain significance (2). Last evaluated 2024-06-22.

Submissions (2):

Labcorp Genetics (formerly Invitae), Labcorp
Classification: Uncertain significance. Last evaluated: 2024-06-22. Review status: criteria provided, single submitter. Criteria: Invitae Variant Classification Sherloc (09022015). Collection method: clinical testing. Allele origin: germline.
Comment: This variant, c.426_431dup, results in the insertion of 2 amino acid(s) of the COL11A2 protein (p.Ser143_Leu144dup), but otherwise preserves the integrity of the reading frame. This variant is present in population databases (rs765753806, gnomAD 0.004%). This variant has not been reported in the literature in individuals affected with COL11A2-related conditions. ClinVar contains an entry for this variant (Variation ID: 1684080). In summary, the available evidence is currently insufficient to determine the role of this variant in disease. Therefore, it has been classified as a Variant of Uncertain Significance.

GeneDx
Classification: Uncertain significance. Last evaluated: 2022-05-16. Review status: criteria provided, single submitter. Criteria: GeneDx Variant Classification Process June 2021. Collection method: clinical testing. Allele origin: germline. Affected: yes.
Comment: In-frame insertion of 2 amino acids in a non-repeat region; Has not been previously published as pathogenic or benign to our knowledge